The following is an entry in ClinVar:

NM_152309.3(PIK3AP1):c.2302A>T (p.Thr768Ser)

Gene: PIK3AP1 (phosphoinositide-3-kinase adaptor protein 1; minus strand). Cytogenetic location: 10q24.1.
Variant type: single nucleotide variant.
Coding change: c.2302A>T on transcript NM_152309.3 (MANE Select); coding-DNA position 2302, A replaced by T.
Protein change: p.Thr768Ser; replaces threonine 768 with serine.
Molecular consequence: missense variant.
Genome position (GRCh38, 1-based): chr10:96,602,338, T>A on the plus strand (A>T on the coding strand, the complement: PIK3AP1 is on the minus strand). VCF-style: chr10-96602338-T-A. GRCh37 (hg19) VCF-style: chr10-98362095-T-A.
Other names: short protein forms T768S.
Identifiers: ClinVar variation 3644270 (VCV003644270.2).
Genomic context (GRCh38, chr10:96,602,338, plus strand): 5'-ACCTCTGTGAGGCAGCTCTCGGAGGCACCCTGGGGGGTCTCTCGAGGGACATGGTGGGTG[T>A]CCCATCCACTTGTGGGGGGCCTGGACTGCGACTTCTGGTAACCTCAGGGACTTCATTATC-3'
Protein context (NP_689522.2, residues 758-778): RSPGPPQVDG[Thr768Ser]PTMSLERPPR

ClinVar aggregate classification (germline): Uncertain significance (1 of 4 stars; one submission).

Conditions:
Infantile spasms. Also called: Infantile spasm. Identifiers: MedGen C3887898, HP:0012469.

Submission:

Labcorp Genetics (formerly Invitae), Labcorp
Classification: Uncertain significance for Infantile spasms. Last evaluated: 2024-03-03. Review status: criteria provided, single submitter. Criteria: Invitae Variant Classification Sherloc (09022015). Collection method: clinical testing. Allele origin: germline.
Comment: This sequence change replaces threonine, which is neutral and polar, with serine, which is neutral and polar, at codon 768 of the PIK3AP1 protein (p.Thr768Ser). This variant is not present in population databases (gnomAD no frequency). This variant has not been reported in the literature in individuals affected with PIK3AP1-related conditions. Algorithms developed to predict the effect of missense changes on protein structure and function output the following: SIFT: "Not Available"; PolyPhen-2: "Benign"; Align-GVGD: "Not Available". The serine amino acid residue is found in multiple mammalian species, which suggests that this missense change does not adversely affect protein function. In summary, the available evidence is currently insufficient to determine the role of this variant in disease. Therefore, it has been classified as a Variant of Uncertain Significance.